The following is an entry in ClinVar:

ClinVar aggregate classification (germline): Uncertain significance (1 of 4 stars; one submission).

Conditions:
Autosomal dominant limb-girdle muscular dystrophy type 1F (LGMDD2). Also called: Limb-girdle muscular dystrophy, type 1F; MUSCULAR DYSTROPHY, LIMB-GIRDLE, AUTOSOMAL DOMINANT 2. Identifiers: Orphanet 55595, MedGen C1842062, MONDO:0012034, OMIM 608423.

Allele frequency attached by ClinVar (database versions not stated): gnomAD exomes below 0.00001; TOPMed below 0.00001.
gnomAD v4.1: 1 of 1,614,080 alleles (0.000062%); highest among the groups gnomAD compares: Non-Finnish European, 0.000085%; no homozygotes.

Submission:

Labcorp Genetics (formerly Invitae), Labcorp
Classification: Uncertain significance for Autosomal dominant limb-girdle muscular dystrophy type 1F. Last evaluated: 2022-07-18. Review status: criteria provided, single submitter. Criteria: Invitae Variant Classification Sherloc (09022015). Collection method: clinical testing. Allele origin: germline.
Comment: In summary, the available evidence is currently insufficient to determine the role of this variant in disease. Therefore, it has been classified as a Variant of Uncertain Significance. Algorithms developed to predict the effect of sequence changes on RNA splicing suggest that this variant may create or strengthen a splice site. Algorithms developed to predict the effect of missense changes on protein structure and function (SIFT, PolyPhen-2, Align-GVGD) all suggest that this variant is likely to be disruptive. ClinVar contains an entry for this variant (Variation ID: 960627). This missense change has been observed in individual(s) with clinical features of TNPO3-related conditions (Invitae). This variant is not present in population databases (gnomAD no frequency). This sequence change replaces glutamine, which is neutral and polar, with arginine, which is basic and polar, at codon 107 of the TNPO3 protein (p.Gln107Arg).

NM_012470.4(TNPO3):c.320A>G (p.Gln107Arg)

Gene: TNPO3 (transportin 3; minus strand). Cytogenetic location: 7q32.1.
Variant type: single nucleotide variant.
Coding change: c.320A>G on transcript NM_012470.4 (MANE Select); coding-DNA position 320, A replaced by G.
Protein change: p.Gln107Arg; replaces glutamine 107 with arginine.
Molecular consequence: missense variant. On other transcripts: non-coding transcript variant (18).
Genome position (GRCh38, 1-based): chr7:129,017,958, T>C on the plus strand (A>G on the coding strand, the complement: TNPO3 is on the minus strand). VCF-style: chr7-129017958-T-C. GRCh37 (hg19) VCF-style: chr7-128658012-T-C.
Other names: c.320A>G, p.Gln107Arg (NM_001191028.3, NM_001382216.1, NM_001382217.1 and 6 more transcripts); short protein forms Q107R.
Identifiers: ClinVar variation 960627 (VCV000960627.10), dbSNP rs1804034381, ClinGen allele CA369248073.
Genomic context (GRCh38, chr7:129,017,958, plus strand): 5'-CAATCCTGATAAATCCAAATGGCCATACAAATTTCTCTAATGAGAAGCACAGGATTTACC[T>C]GCGTTACAATAACAGGTGACAAGTCTTTCAAGTTCTGGATATGGGTTAGCAATGAGTCCC-3'
Protein context (NP_036602.1, residues 97-117): LKDLSPVIVT[Gln107Arg]LALAIADLAL